The following is an entry in ClinVar:

ClinVar aggregate classification (germline): Likely benign (1 of 4 stars; one submission).

Allele frequency attached by ClinVar (database versions not stated): ExAC 0.00015; 1000 Genomes Project 30x 0.00625; 1000 Genomes Project 0.08986.

Submission:

CeGaT Center for Human Genetics Tuebingen
Classification: Likely benign. Last evaluated: 2023-08-01. Review status: criteria provided, single submitter. Criteria: CeGaT Center For Human Genetics Tuebingen Variant Classification Criteria Version 2. Collection method: clinical testing. Allele origin: germline. Affected: yes. Observed: 1 variant allele.
Comment: MUC21: BP4, BS2

NM_001010909.5(MUC21):c.1114A>G (p.Thr372Ala)

Genes: MUC21 (mucin 21, cell surface associated; plus strand), LOC126859647 (CDK7 strongly-dependent group 2 enhancer GRCh37_chr6:30954612-30955811; plus strand). Cytogenetic location: 6p21.33.
Variant type: single nucleotide variant.
Coding change: c.1114A>G on transcript NM_001010909.5 (MANE Select); coding-DNA position 1114, A replaced by G.
Protein change: p.Thr372Ala; replaces threonine 372 with alanine.
Molecular consequence: missense variant. On other transcripts: no sequence alteration (2), non-coding transcript variant (1).
Genome position (GRCh38, 1-based): chr6:30,987,289, A>G. VCF-style: chr6-30987289-A-G. GRCh37 (hg19) VCF-style: chr6-30955066-A-G.
Other names: c.1204=, p.Val402= (NM_001322370.2); c.1204=, p.Ala402= (NM_001322371.2); short protein forms T372A.
Identifiers: ClinVar variation 2656374 (VCV002656374.24), dbSNP rs41288695, ClinGen allele CA3707421.